The following is an entry in ClinVar:

NM_000722.4(CACNA2D1):c.1745A>G (p.Asp582Gly)

Gene: CACNA2D1 (calcium voltage-gated channel auxiliary subunit alpha2delta 1; minus strand). Cytogenetic location: 7q21.11.
Variant type: single nucleotide variant.
Coding change: c.1745A>G on transcript NM_000722.4 (MANE Select); coding-DNA position 1745, A replaced by G.
Protein change: p.Asp582Gly; replaces aspartic acid 582 with glycine.
Molecular consequence: missense variant.
Genome position (GRCh38, 1-based): chr7:81,991,236, T>C on the plus strand (A>G on the coding strand, the complement: CACNA2D1 is on the minus strand). VCF-style: chr7-81991236-T-C. GRCh37 (hg19) VCF-style: chr7-81620552-T-C.
Other names: c.1802A>G, p.Asp601Gly (NM_001366867.1); short protein forms D582G, D601G.
Identifiers: ClinVar variation 2720478 (VCV002720478.3), dbSNP rs2484907511, ClinGen allele CA367876629.

ClinVar aggregate classification (germline): Uncertain significance (1 of 4 stars; one submission).

Conditions:
Brugada syndrome. Also called: Sudden unexplained nocturnal death syndrome; Sudden unexpected nocturnal death syndrome; Sudden Unexplained Death Syndrome; Sudden Unexplained Nocturnal Death Syndrome (SUNDS). Identifiers: Orphanet 130, MedGen C1142166, MONDO:0015263.

Allele frequency attached by ClinVar (database versions not stated): gnomAD exomes below 0.00001.
gnomAD v4.1: 1 of 1,503,676 alleles (0.000067%); highest among the groups gnomAD compares: Non-Finnish European, 0.000093%; no homozygotes.

Submission:

Labcorp Genetics (formerly Invitae), Labcorp
Classification: Uncertain significance for Brugada syndrome. Last evaluated: 2023-06-21. Review status: criteria provided, single submitter. Criteria: Invitae Variant Classification Sherloc (09022015). Collection method: clinical testing. Allele origin: germline.
Comment: An algorithm developed to predict the effect of missense changes on protein structure and function (PolyPhen-2) suggests that this variant is likely to be disruptive. This variant has not been reported in the literature in individuals affected with CACNA2D1-related conditions. This variant is not present in population databases (gnomAD no frequency). This sequence change replaces aspartic acid, which is acidic and polar, with glycine, which is neutral and non-polar, at codon 582 of the CACNA2D1 protein (p.Asp582Gly). In summary, the available evidence is currently insufficient to determine the role of this variant in disease. Therefore, it has been classified as a Variant of Uncertain Significance.